The following is an entry in ClinVar:

ClinVar aggregate classification (germline): Uncertain significance (1 of 4 stars; one submission).

Conditions:
Mitochondrial trifunctional protein deficiency. Identifiers: Orphanet 746, MedGen C1969443, MONDO:0012172.

Allele frequency attached by ClinVar (database versions not stated): TOPMed below 0.00001; gnomAD 0.00001; gnomAD exomes 0.00001.
gnomAD v4.1: 4 of 1,605,906 alleles (0.00025%); highest among the groups gnomAD compares: Admixed American, 0.0067%; no homozygotes.

Submission:

Labcorp Genetics (formerly Invitae), Labcorp
Classification: Uncertain significance for Mitochondrial trifunctional protein deficiency. Last evaluated: 2022-07-26. Review status: criteria provided, single submitter. Criteria: Invitae Variant Classification Sherloc (09022015). Collection method: clinical testing. Allele origin: germline.
Comment: This sequence change replaces serine, which is neutral and polar, with threonine, which is neutral and polar, at codon 27 of the HADHB protein (p.Ser27Thr). This variant is present in population databases (no rsID available, gnomAD 0.006%). This variant has not been reported in the literature in individuals affected with HADHB-related conditions. Algorithms developed to predict the effect of missense changes on protein structure and function (SIFT, PolyPhen-2, Align-GVGD) all suggest that this variant is likely to be tolerated. In summary, the available evidence is currently insufficient to determine the role of this variant in disease. Therefore, it has been classified as a Variant of Uncertain Significance.

NM_000183.3(HADHB):c.80G>C (p.Ser27Thr)

Gene: HADHB (hydroxyacyl-CoA dehydrogenase trifunctional multienzyme complex subunit beta; plus strand). Cytogenetic location: 2p23.3.
Variant type: single nucleotide variant.
Coding change: c.80G>C on transcript NM_000183.3 (MANE Select); coding-DNA position 80, G replaced by C.
Protein change: p.Ser27Thr; replaces serine 27 with threonine.
Molecular consequence: missense variant. On other transcripts: 5 prime UTR variant (1).
Genome position (GRCh38, 1-based): chr2:26,254,445, G>C. VCF-style: chr2-26254445-G-C. GRCh37 (hg19) VCF-style: chr2-26477313-G-C.
Other names: c.80G>C, p.Ser27Thr (NM_001281512.2); c.-70G>C (NM_001281513.2); short protein forms S27T.
Identifiers: ClinVar variation 1950365 (VCV001950365.2), dbSNP rs1295452279, ClinGen allele CA346101477.